The following is an entry in ClinVar:

NM_016562.4(TLR7):c.2646G>C (p.Gln882His)

Gene: TLR7 (toll like receptor 7; plus strand). Cytogenetic location: Xp22.2.
Variant type: single nucleotide variant.
Coding change: c.2646G>C on transcript NM_016562.4 (MANE Select); coding-DNA position 2646, G replaced by C.
Protein change: p.Gln882His; replaces glutamine 882 with histidine.
Molecular consequence: missense variant.
Genome position (GRCh38, 1-based): chrX:12,888,154, G>C. VCF-style: chrX-12888154-G-C. GRCh37 (hg19) VCF-style: chrX-12906273-G-C.
Other names: short protein forms Q882H.
Identifiers: ClinVar variation 2852659 (VCV002852659.3), dbSNP rs2518439292, ClinGen allele CA412411240.
Genomic context (GRCh38, chrX:12,888,154, plus strand): 5'-CTATTTCTGGGATGTGTGGTATATTTACCATTTCTGTAAGGCCAAGATAAAGGGGTATCA[G>C]CGTCTAATATCACCAGACTGTTGCTATGATGCTTTTATTGTGTATGACACTAAAGACCCA-3'
Protein context (NP_057646.1, residues 872-892): HFCKAKIKGY[Gln882His]RLISPDCCYD

ClinVar aggregate classification (germline): Uncertain significance (1 of 4 stars; one submission).

Submission:

Labcorp Genetics (formerly Invitae), Labcorp
Classification: Uncertain significance. Last evaluated: 2023-04-06. Review status: criteria provided, single submitter. Criteria: Invitae Variant Classification Sherloc (09022015). Collection method: clinical testing. Allele origin: germline.
Comment: This sequence change replaces glutamine, which is neutral and polar, with histidine, which is basic and polar, at codon 882 of the TLR7 protein (p.Gln882His). This variant is not present in population databases (gnomAD no frequency). This variant has not been reported in the literature in individuals affected with TLR7-related conditions. An algorithm developed to predict the effect of missense changes on protein structure and function (PolyPhen-2) suggests that this variant is likely to be tolerated. In summary, the available evidence is currently insufficient to determine the role of this variant in disease. Therefore, it has been classified as a Variant of Uncertain Significance.